The following is an entry in ClinVar:

ClinVar aggregate classification (germline): Uncertain significance (1 of 4 stars; one submission).

Conditions:
Inborn genetic diseases. Identifiers: MedGen C0950123, MeSH D030342.

gnomAD v4.1: 1 of 1,614,188 alleles (0.000062%); no homozygotes.

Submission:

Ambry Genetics
Classification: Uncertain significance for Inborn genetic diseases. Last evaluated: 2020-10-27. Review status: criteria provided, single submitter. Criteria: Ambry Variant Classification Scheme 2023. Collection method: clinical testing. Allele origin: germline.
Comment: The p.N643S variant (also known as c.1928A>G), located in coding exon 14 of the FGD4 gene, results from an A to G substitution at nucleotide position 1928. The asparagine at codon 643 is replaced by serine, an amino acid with highly similar properties. This amino acid position is well conserved in available vertebrate species; however, serine is the reference amino acid in other vertebrate species. In addition, this alteration is predicted to be tolerated by in silico analysis. Since supporting evidence is limited at this time, the clinical significance of this alteration remains unclear.

NM_001370298.3(FGD4):c.2339A>G (p.Asn780Ser)

Gene: FGD4 (FYVE, RhoGEF and PH domain containing 4; plus strand). Cytogenetic location: 12p11.21.
Variant type: single nucleotide variant.
Coding change: c.2339A>G on transcript NM_001370298.3 (MANE Select); coding-DNA position 2339, A replaced by G.
Protein change: p.Asn780Ser; replaces asparagine 780 with serine.
Molecular consequence: missense variant.
Genome position (GRCh38, 1-based): chr12:32,638,680, A>G. VCF-style: chr12-32638680-A-G. GRCh37 (hg19) VCF-style: chr12-32791614-A-G.
Other names: c.2183A>G, p.Asn728Ser (NM_001304481.2); c.1184A>G, p.Asn395Ser (NM_001304483.2); c.896A>G, p.Asn299Ser (NM_001304484.2); c.1649A>G, p.Asn550Ser (NM_001330373.2, NM_001330374.2, NM_001384130.1); c.1376A>G, p.Asn459Ser (NM_001370297.1); c.2339A>G, p.Asn780Ser (NM_001384126.1); c.1928A>G, p.Asn643Ser (NM_001384127.1, NM_001384128.1, NM_001385118.1 and 1 more transcripts); short protein forms N550S, N728S, N299S, N395S, N459S, N780S, N643S.
Identifiers: ClinVar variation 1782796 (VCV001782796.2), dbSNP rs2540855976, ClinGen allele CA384371941.